The following is an entry in ClinVar:

ClinVar aggregate classification (germline): Uncertain significance (1 of 4 stars; one submission).

Conditions:
Duchenne muscular dystrophy (DMD). Also called: MUSCULAR DYSTROPHY, PSEUDOHYPERTROPHIC PROGRESSIVE, DUCHENNE TYPE; Duchenne Muscular Dystrophy (DMD). Identifiers: Orphanet 98896, MedGen C0013264, MONDO:0010679, OMIM 310200.

gnomAD v4.1: 1 of 1,210,085 alleles (0.000083%); highest among the groups gnomAD compares: Non-Finnish European, 0.00011%; no homozygotes.

Submission:

Labcorp Genetics (formerly Invitae), Labcorp
Classification: Uncertain significance for Duchenne muscular dystrophy. Last evaluated: 2025-11-12. Review status: criteria provided, single submitter. Criteria: Invitae Variant Classification Sherloc (09022015). Collection method: clinical testing. Allele origin: germline.
Comment: This sequence change replaces lysine, which is basic and polar, with arginine, which is basic and polar, at codon 657 of the DMD protein (p.Lys657Arg). This variant is not present in population databases (gnomAD no frequency). This variant has not been reported in the literature in individuals affected with DMD-related conditions. ClinVar contains an entry for this variant (Variation ID: 3673257). Invitae Evidence Modeling of protein sequence and biophysical properties (such as structural, functional, and spatial information, amino acid conservation, physicochemical variation, residue mobility, and thermodynamic stability) indicates that this missense variant is not expected to disrupt DMD protein function with a negative predictive value of 95%. In summary, the available evidence is currently insufficient to determine the role of this variant in disease. Therefore, it has been classified as a Variant of Uncertain Significance.

NM_004006.3(DMD):c.1970A>G (p.Lys657Arg)

Gene: DMD (dystrophin; minus strand). Cytogenetic location: Xp21.1.
Variant type: single nucleotide variant.
Coding change: c.1970A>G on transcript NM_004006.3 (MANE Select); coding-DNA position 1970, A replaced by G.
Protein change: p.Lys657Arg; replaces lysine 657 with arginine.
Molecular consequence: missense variant.
Genome position (GRCh38, 1-based): chrX:32,565,724, T>C on the plus strand (A>G on the coding strand, the complement: DMD is on the minus strand). VCF-style: chrX-32565724-T-C. GRCh37 (hg19) VCF-style: chrX-32583841-T-C.
Other names: c.1946A>G, p.Lys649Arg (NM_000109.4); c.1958A>G, p.Lys653Arg (NM_004009.3); c.1601A>G, p.Lys534Arg (NM_004010.3); short protein forms K657R, K649R, K653R, K534R.
Identifiers: ClinVar variation 3673257 (VCV003673257.2).